The following is an entry in ClinVar:

ClinVar aggregate classification (germline): Uncertain significance (1 of 4 stars; one submission).

Submission:

Labcorp Genetics (formerly Invitae), Labcorp
Classification: Uncertain significance. Last evaluated: 2025-12-22. Review status: criteria provided, single submitter. Criteria: Invitae Variant Classification Sherloc (09022015). Collection method: clinical testing. Allele origin: germline.
Comment: This sequence change replaces aspartic acid, which is acidic and polar, with glycine, which is neutral and non-polar, at codon 1066 of the POLE protein (p.Asp1066Gly). This variant is not present in population databases (gnomAD no frequency). This variant has not been reported in the literature in individuals affected with POLE-related conditions. Invitae Evidence Modeling of protein sequence and biophysical properties (such as structural, functional, and spatial information, amino acid conservation, physicochemical variation, residue mobility, and thermodynamic stability) indicates that this missense variant is expected to disrupt POLE protein function with a positive predictive value of 80%. In summary, the available evidence is currently insufficient to determine the role of this variant in disease. Therefore, it has been classified as a Variant of Uncertain Significance.

NM_006231.4(POLE):c.3197A>G (p.Asp1066Gly)

Gene: POLE (DNA polymerase epsilon, catalytic subunit; minus strand). Cytogenetic location: 12q24.33.
Variant type: single nucleotide variant.
Coding change: c.3197A>G on transcript NM_006231.4 (MANE Select); coding-DNA position 3197, A replaced by G.
Protein change: p.Asp1066Gly; replaces aspartic acid 1066 with glycine.
Molecular consequence: missense variant.
Genome position (GRCh38, 1-based): chr12:132,659,373, T>C on the plus strand (A>G on the coding strand, the complement: POLE is on the minus strand). VCF-style: chr12-132659373-T-C. GRCh37 (hg19) VCF-style: chr12-133235959-T-C.
Other names: short protein forms D1066G.
Identifiers: ClinVar variation 4803874 (VCV004803874.1).
Genomic context (GRCh38, chr12:132,659,373, plus strand): 5'-CCCTCGGGCTTGCGGGAGATGATGTAGCGGCAACTCAGCCCTGCATCCTTGACCATCTGG[T>C]CTCCCAGGAACTCGGCCAGGCGCTTTGCTGTGCTGATGGACGTAGACTTCTGCTCCCCGT-3'
Protein context (NP_006222.2, residues 1056-1076): TAKRLAEFLG[Asp1066Gly]QMVKDAGLSC